The following is an entry in ClinVar:

ClinVar aggregate classification (germline): Uncertain significance (1 of 4 stars; one submission).

Allele frequency attached by ClinVar (database versions not stated): ExAC 0.00001; gnomAD exomes 0.00002; TOPMed 0.00002; gnomAD 0.00003.
gnomAD v4.1: 28 of 1,614,056 alleles (0.0017%); highest among the groups gnomAD compares: Non-Finnish European, 0.0024%; no homozygotes.

Submission:

Labcorp Genetics (formerly Invitae), Labcorp
Classification: Uncertain significance. Last evaluated: 2024-10-08. Review status: criteria provided, single submitter. Criteria: Invitae Variant Classification Sherloc (09022015). Collection method: clinical testing. Allele origin: germline.
Comment: This sequence change replaces leucine, which is neutral and non-polar, with proline, which is neutral and non-polar, at codon 255 of the MICAL1 protein (p.Leu255Pro). This variant is present in population databases (rs771509547, gnomAD 0.0009%). This variant has not been reported in the literature in individuals affected with MICAL1-related conditions. An algorithm developed to predict the effect of missense changes on protein structure and function (PolyPhen-2) suggests that this variant is likely to be disruptive. In summary, the available evidence is currently insufficient to determine the role of this variant in disease. Therefore, it has been classified as a Variant of Uncertain Significance.

NM_022765.4(MICAL1):c.707T>C (p.Leu236Pro)

Gene: MICAL1 (microtubule associated monooxygenase, calponin and LIM domain containing 1; minus strand). Cytogenetic location: 6q21.
Variant type: single nucleotide variant.
Coding change: c.707T>C on transcript NM_022765.4 (MANE Select); coding-DNA position 707, T replaced by C.
Protein change: p.Leu236Pro; replaces leucine 236 with proline.
Molecular consequence: missense variant.
Genome position (GRCh38, 1-based): chr6:109,452,371, A>G on the plus strand (T>C on the coding strand, the complement: MICAL1 is on the minus strand). VCF-style: chr6-109452371-A-G. GRCh37 (hg19) VCF-style: chr6-109773574-A-G.
Other names: c.707T>C, p.Leu236Pro (NM_001159291.2); c.764T>C, p.Leu255Pro (NM_001286613.2); short protein forms L255P, L236P.
Identifiers: ClinVar variation 2920342 (VCV002920342.3), dbSNP rs771509547, ClinGen allele CA3953645.